The following is an entry in ClinVar:

NM_003334.4(UBA1):c.1850C>T (p.Ser617Leu)

Gene: UBA1 (ubiquitin like modifier activating enzyme 1; plus strand). Cytogenetic location: Xp11.3.
Variant type: single nucleotide variant.
Coding change: c.1850C>T on transcript NM_003334.4 (MANE Select); coding-DNA position 1850, C replaced by T.
Protein change: p.Ser617Leu; replaces serine 617 with leucine.
Molecular consequence: missense variant.
Genome position (GRCh38, 1-based): chrX:47,206,356, C>T. VCF-style: chrX-47206356-C-T. GRCh37 (hg19) VCF-style: chrX-47065755-C-T.
Other names: c.1850C>T, p.Ser617Leu (NM_153280.3); short protein forms S617L.
Identifiers: ClinVar variation 3659198 (VCV003659198.2).

ClinVar aggregate classification (germline): Uncertain significance (1 of 4 stars; one submission).

Conditions:
Infantile-onset X-linked spinal muscular atrophy. Also called: Spinal Muscular Atrophy, X-Linked Infantile; AMC, DISTAL, X-LINKED; ARTHROGRYPOSIS, X-LINKED, TYPE I; SPINAL MUSCULAR ATROPHY, X-LINKED LETHAL INFANTILE; Spinal muscular atrophy, X-linked 2. Identifiers: Orphanet 1145, MedGen C1844934, MONDO:0010532, OMIM 301830.

Submission:

Labcorp Genetics (formerly Invitae), Labcorp
Classification: Uncertain significance for Infantile-onset X-linked spinal muscular atrophy. Last evaluated: 2024-07-12. Review status: criteria provided, single submitter. Criteria: Invitae Variant Classification Sherloc (09022015). Collection method: clinical testing. Allele origin: germline.
Comment: This sequence change replaces serine, which is neutral and polar, with leucine, which is neutral and non-polar, at codon 617 of the UBA1 protein (p.Ser617Leu). This variant is not present in population databases (gnomAD no frequency). This variant has not been reported in the literature in individuals affected with UBA1-related conditions. An algorithm developed to predict the effect of missense changes on protein structure and function (PolyPhen-2) suggests that this variant is likely to be disruptive. In summary, the available evidence is currently insufficient to determine the role of this variant in disease. Therefore, it has been classified as a Variant of Uncertain Significance.